The following is an entry in ClinVar:

NM_000289.6(PFKM):c.1458dup (p.Lys487Ter)

Gene: PFKM (phosphofructokinase, muscle; plus strand). Cytogenetic location: 12q13.11.
Variant type: Duplication.
Coding change: c.1458dup on transcript NM_000289.6 (MANE Select); coding-DNA position 1458, one base duplicated (T; older notation c.1458dupT).
Protein change: p.Lys487Ter; replaces lysine 487 with a stop codon.
Molecular consequence: nonsense. On other transcripts: non-coding transcript variant (6).
Genome position (GRCh38, 1-based): chr12:48,141,785, T duplicated. VCF-style (leftmost placement, unchanged base first): chr12-48141784-C-CT. GRCh37 (hg19) VCF-style: chr12-48535567-C-CT.
Other names: c.1671dup, p.Lys558Ter (NM_001166686.2, NM_001354737.1, NM_001354738.1 and 1 more transcripts); c.1458dup, p.Lys487Ter (NM_001166687.2, NM_001166688.2, NM_001354742.2 and 2 more transcripts); c.1767dup, p.Lys590Ter (NM_001354735.1, NM_001354736.1); c.1602dup, p.Lys535Ter (NM_001354740.1); c.1482dup, p.Lys495Ter (NM_001354741.2); c.1371dup, p.Lys458Ter (NM_001354745.2); c.1332dup, p.Lys445Ter (NM_001354746.2); c.1308dup, p.Lys437Ter (NM_001354747.2, NM_001354748.2); and 1 more; short protein forms K456*, K495*, K445*, K458*, K487*, K535*, K558*, K590*.
Identifiers: ClinVar variation 3003829 (VCV003003829.4), dbSNP rs2498573232, ClinGen allele CA2618527574.

ClinVar aggregate classification (germline): Pathogenic/Likely pathogenic. Review status: criteria provided, multiple submitters, no conflicts (2 of 4 stars). 2 submissions from 2 submitters: Pathogenic (1); Likely pathogenic (1). Last evaluated 2024-06-11.

Conditions:
Glycogen storage disease, type VII (GSD7). Also called: TARUI DISEASE; GSD VII; MUSCLE PHOSPHOFRUCTOKINASE DEFICIENCY; PFKM DEFICIENCY. Identifiers: Orphanet 371, MedGen C0017926, MONDO:0009295, OMIM 232800.

Allele frequency attached by ClinVar (database versions not stated): gnomAD exomes 0.00001.

Submissions (2):

Fulgent Genetics
Classification: Likely pathogenic for Glycogen storage disease, type VII. Last evaluated: 2024-06-11. Review status: criteria provided, single submitter. Criteria: ACMG Guidelines, 2015. Collection method: clinical testing. Allele origin: germline.

Labcorp Genetics (formerly Invitae), Labcorp
Classification: Pathogenic for Glycogen storage disease, type VII. Last evaluated: 2024-01-28. Review status: criteria provided, single submitter. Criteria: Invitae Variant Classification Sherloc (09022015). Collection method: clinical testing. Allele origin: germline.
Comment: This sequence change creates a premature translational stop signal (p.Lys487*) in the PFKM gene. It is expected to result in an absent or disrupted protein product. Loss-of-function variants in PFKM are known to be pathogenic (PMID: 7825568, 8037209). This variant is not present in population databases (gnomAD no frequency). This variant has not been reported in the literature in individuals affected with PFKM-related conditions. Algorithms developed to predict the effect of sequence changes on RNA splicing suggest that this variant may disrupt the consensus splice site. For these reasons, this variant has been classified as Pathogenic.

Literature cited by the submitters: PubMed 7825568 (cited by Labcorp Genetics (formerly Invitae), Labcorp); PubMed 8037209 (cited by Labcorp Genetics (formerly Invitae), Labcorp).